The following is an entry in ClinVar:

ClinVar aggregate classification (germline): Uncertain significance (1 of 4 stars; one submission).

Submission:

GeneDx
Classification: Uncertain significance. Last evaluated: 2025-08-06. Review status: criteria provided, single submitter. Criteria: GeneDx Variant Classification Process June 2021. Collection method: clinical testing. Allele origin: germline. Affected: yes.
Comment: Frameshift variant predicted to result in abnormal protein length as the last 103 amino acid(s) are replaced with 202 different amino acid(s); Not observed at significant frequency in large population cohorts (gnomAD); Has not been previously published as pathogenic or benign to our knowledge

NM_003036.4(SKI):c.1875dup (p.Lys626fs)

Gene: SKI (SKI proto-oncogene; plus strand). Cytogenetic location: 1p36.32.
Variant type: Duplication.
Coding change: c.1875dup on transcript NM_003036.4 (MANE Select); coding-DNA position 1875, one base duplicated (G; older notation c.1875dupG).
Protein change: p.Lys626fs; shifts the reading frame from lysine 626.
Molecular consequence: frameshift variant.
Genome position (GRCh38, 1-based): chr1:2,306,127, G duplicated. VCF-style (leftmost placement, unchanged base first): chr1-2306126-A-AG. GRCh37 (hg19) VCF-style: chr1-2237565-A-AG.
Other names: short protein forms K626fs.
Identifiers: ClinVar variation 4755938 (VCV004755938.1).
Genomic context (GRCh38, chr1:2,306,126, plus strand): 5'-CCACGGAGGCCAAGCGTAACCTGCGGAAGGAGATCGAGCGTCTCCGCGCCGAGAACGAGA[A>AG]GAAGATGAAAGAGGCCAACGAGTCACGGCTGCGCCTGAAGCGGGAGCTGGAGCAGGCGCG-3'